The following is an entry in ClinVar:

ClinVar aggregate classification (germline): Uncertain significance (1 of 4 stars; one submission).

gnomAD v4.1: 2 of 1,612,512 alleles (0.00012%); highest among the groups gnomAD compares: Non-Finnish European, 0.00017%; no homozygotes.

Submission:

Laboratory for Molecular Medicine, Mass General Brigham Personalized Medicine
Classification: Uncertain significance. Last evaluated: 2016-06-09. Review status: criteria provided, single submitter. Criteria: LMM Criteria. Collection method: clinical testing. Allele origin: germline. Observed: 1 variant allele.
Comment: The p.Lys140Asn variant in MYO15A has not been previously reported in individual s with hearing loss or in large population studies. Computational prediction too ls and conservation analyses do not provide strong support for or against an imp act to the protein. In summary, the clinical significance of the p.Lys140Asn var iant is uncertain.

NM_016239.4(MYO15A):c.420G>T (p.Lys140Asn)

Gene: MYO15A (myosin XVA; plus strand). Cytogenetic location: 17p11.2.
Variant type: single nucleotide variant.
Coding change: c.420G>T on transcript NM_016239.4 (MANE Select); coding-DNA position 420, G replaced by T.
Protein change: p.Lys140Asn; replaces lysine 140 with asparagine.
Molecular consequence: missense variant.
Genome position (GRCh38, 1-based): chr17:18,119,220, G>T. VCF-style: chr17-18119220-G-T. GRCh37 (hg19) VCF-style: chr17-18022534-G-T.
Other names: short protein forms K140N.
Identifiers: ClinVar variation 505105 (VCV000505105.4), dbSNP rs1555537961, ClinGen allele CA398572920.